The following is an entry in ClinVar:

NM_144991.3(TSPEAR):c.415G>A (p.Gly139Ser)

Gene: TSPEAR (thrombospondin type laminin G domain and EAR repeats; minus strand). Cytogenetic location: 21q22.3.
Variant type: single nucleotide variant.
Coding change: c.415G>A on transcript NM_144991.3 (MANE Select); coding-DNA position 415, G replaced by A.
Protein change: p.Gly139Ser; replaces glycine 139 with serine.
Molecular consequence: missense variant.
Genome position (GRCh38, 1-based): chr21:44,533,812, C>T on the plus strand (G>A on the coding strand, the complement: TSPEAR is on the minus strand). VCF-style: chr21-44533812-C-T. GRCh37 (hg19) VCF-style: chr21-45953695-C-T.
Other names: c.211G>A, p.Gly71Ser (NM_001272037.2); short protein forms G71S, G139S.
Identifiers: ClinVar variation 719620 (VCV000719620.15), dbSNP rs148095760, ClinGen allele CA10057026.

ClinVar aggregate classification (germline): Benign/Likely benign. Review status: criteria provided, multiple submitters, no conflicts (2 of 4 stars). 4 submissions from 4 submitters: Benign (1); Likely benign (2). 1 of the submissions does not count toward it. Last evaluated 2025-12-31.

Conditions:
TSPEAR-related disorder. Also called: TSPEAR-related condition.

Allele frequency attached by ClinVar (database versions not stated): 1000 Genomes Project 30x 0.00031; 1000 Genomes Project 0.00040; TOPMed 0.00060; ESP Exome Variant Server 0.00069; ExAC 0.00102; gnomAD exomes 0.00104 and 0.00108; gnomAD 0.00120 and 0.00126.
gnomAD v4.1: 1,671 of 1,612,508 alleles (0.1%); highest among the groups gnomAD compares: Non-Finnish European, 0.1%; 6 homozygotes.

Submissions (4):

Labcorp Genetics (formerly Invitae), Labcorp
Classification: Likely benign. Last evaluated: 2025-12-31. Review status: criteria provided, single submitter. Criteria: Invitae Variant Classification Sherloc (09022015). Collection method: clinical testing. Allele origin: germline.

Blueprint Genetics
Classification: Likely benign. Last evaluated: 2024-10-18. Review status: criteria provided, single submitter. Criteria: ACMG Guidelines, 2015. Collection method: clinical testing. Allele origin: germline.

GeneDx
Classification: Benign. Last evaluated: 2019-03-13. Review status: criteria provided, single submitter. Criteria: GeneDx Variant Classification Process June 2021. Collection method: clinical testing. Allele origin: germline. Affected: yes.

PreventionGenetics, part of Exact Sciences
Classification: Likely benign for TSPEAR-related condition. Last evaluated: 2020-03-23. Review status: no assertion criteria provided. Collection method: clinical testing. Allele origin: germline. Not counted in ClinVar's aggregate classification.
Comment: This variant is classified as likely benign based on ACMG/AMP sequence variant interpretation guidelines (Richards et al. 2015 PMID: 25741868, with internal and published modifications).